The following is an entry in ClinVar:

NM_002661.5(PLCG2):c.1628C>A (p.Ala543Asp)

Gene: PLCG2 (phospholipase C gamma 2; plus strand). Cytogenetic location: 16q23.3.
Variant type: single nucleotide variant.
Coding change: c.1628C>A on transcript NM_002661.5 (MANE Select); coding-DNA position 1628, C replaced by A.
Protein change: p.Ala543Asp; replaces alanine 543 with aspartic acid.
Molecular consequence: missense variant.
Genome position (GRCh38, 1-based): chr16:81,908,486, C>A. VCF-style: chr16-81908486-C-A. GRCh37 (hg19) VCF-style: chr16-81942091-C-A.
Other names: c.1628C>A, p.Ala543Asp (NM_001425749.1, NM_001425750.1, NM_001425751.1); short protein forms A543D.
Identifiers: ClinVar variation 3640392 (VCV003640392.2).
Genomic context (GRCh38, chr16:81,908,486, plus strand): 5'-CTACAGAACTACATTTTGGGGAGAAATGGTTCCACAAGAAGGTGGAGAAGAGGACGAGTG[C>A]CGAGAAGTTGCTGCAGGAATACTGCATGGAGACGGGGGGCAAGGATGGCACCTTCCTGGT-3'
Protein context (NP_002652.2, residues 533-553): FHKKVEKRTS[Ala543Asp]EKLLQEYCME

ClinVar aggregate classification (germline): Uncertain significance (1 of 4 stars; one submission).

Conditions:
Familial cold autoinflammatory syndrome 3 (FCAS3). Also called: FAMILIAL ATYPICAL COLD URTICARIA; ANTIBODY DEFICIENCY AND IMMUNE DYSREGULATION, PLCG2-ASSOCIATED. Identifiers: Orphanet 300359, MedGen C3280914, MONDO:0013766, OMIM 614468.

Submission:

Labcorp Genetics (formerly Invitae), Labcorp
Classification: Uncertain significance for Familial cold autoinflammatory syndrome 3. Last evaluated: 2024-02-12. Review status: criteria provided, single submitter. Criteria: Invitae Variant Classification Sherloc (09022015). Collection method: clinical testing. Allele origin: germline.
Comment: This sequence change replaces alanine, which is neutral and non-polar, with aspartic acid, which is acidic and polar, at codon 543 of the PLCG2 protein (p.Ala543Asp). This variant is not present in population databases (gnomAD no frequency). This variant has not been reported in the literature in individuals affected with PLCG2-related conditions. An algorithm developed to predict the effect of missense changes on protein structure and function (PolyPhen-2) suggests that this variant is likely to be disruptive. In summary, the available evidence is currently insufficient to determine the role of this variant in disease. Therefore, it has been classified as a Variant of Uncertain Significance.